The following is an entry in ClinVar:

NM_003647.3(DGKE):c.445C>G (p.Pro149Ala)

Gene: DGKE (diacylglycerol kinase epsilon; plus strand). Cytogenetic location: 17q22.
Variant type: single nucleotide variant.
Coding change: c.445C>G on transcript NM_003647.3 (MANE Select); coding-DNA position 445, C replaced by G.
Protein change: p.Pro149Ala; replaces proline 149 with alanine.
Molecular consequence: missense variant.
Genome position (GRCh38, 1-based): chr17:56,835,240, C>G. VCF-style: chr17-56835240-C-G. GRCh37 (hg19) VCF-style: chr17-54912601-C-G.
Other names: c.445C>G (NM_003647.2); short protein forms P149A.
Identifiers: ClinVar variation 2074892 (VCV002074892.6), dbSNP rs747565175, ClinGen allele CA8663494.

ClinVar aggregate classification (germline): Uncertain significance. Review status: criteria provided, multiple submitters, no conflicts (2 of 4 stars). 4 submissions from 4 submitters: Uncertain significance (4). Last evaluated 2024-12-24.

Conditions:
Inborn genetic diseases. Identifiers: MedGen C0950123, MeSH D030342.
Focal segmental glomerulosclerosis (FSGS). Also called: Glomerulosclerosis, focal; Focal sclerosis with hyalinosis. Identifiers: MedGen C0017668, MONDO:0100313, HP:0000097. Disease mechanism: loss of function.

Allele frequency attached by ClinVar (database versions not stated): gnomAD 0.00001; ExAC 0.00010; TOPMed 0.00007.
gnomAD v4.1: 34 of 1,611,464 alleles (0.0021%); highest among the groups gnomAD compares: Admixed American, 0.057%; no homozygotes.

Submissions (4):

Women's Health and Genetics/Laboratory Corporation of America, LabCorp
Classification: Uncertain significance. Last evaluated: 2024-12-24. Review status: criteria provided, single submitter. Criteria: LabCorp Variant Classification Summary - May 2015. Collection method: clinical testing. Allele origin: germline.
Comment: Variant summary: DGKE c.445C>G (p.Pro149Ala) results in a non-conservative amino acid change located in the Protein kinase C conserved region 1 (C1) domain (IPR002219) of the encoded protein sequence. Four of five in-silico tools predict a damaging effect of the variant on protein function. The variant allele was found at a frequency of 0.00011 in 248278 control chromosomes. This frequency is not significantly higher than estimated for a pathogenic variant in DGKE causing Nephrotic Syndrome, Type 7 (0.00011 vs 0.0011), allowing no conclusion about variant significance. To our knowledge, no occurrence of c.445C>G in individuals affected with Nephrotic Syndrome, Type 7 and no experimental evidence demonstrating its impact on protein function have been reported. ClinVar contains an entry for this variant (Variation ID: 2074892). Based on the evidence outlined above, the variant was classified as uncertain significance.

Labcorp Genetics (formerly Invitae), Labcorp
Classification: Uncertain significance. Last evaluated: 2024-11-28. Review status: criteria provided, single submitter. Criteria: Invitae Variant Classification Sherloc (09022015). Collection method: clinical testing. Allele origin: germline.
Comment: This sequence change replaces proline, which is neutral and non-polar, with alanine, which is neutral and non-polar, at codon 149 of the DGKE protein (p.Pro149Ala). This variant is present in population databases (rs747565175, gnomAD 0.08%). This variant has not been reported in the literature in individuals affected with DGKE-related conditions. ClinVar contains an entry for this variant (Variation ID: 2074892). Invitae Evidence Modeling of protein sequence and biophysical properties (such as structural, functional, and spatial information, amino acid conservation, physicochemical variation, residue mobility, and thermodynamic stability) indicates that this missense variant is not expected to disrupt DGKE protein function with a negative predictive value of 80%. In summary, the available evidence is currently insufficient to determine the role of this variant in disease. Therefore, it has been classified as a Variant of Uncertain Significance.

Clinical Genomics Laboratory, Stanford Medicine
Classification: Uncertain significance for Focal segmental glomerulosclerosis. Last evaluated: 2023-09-28. Review status: criteria provided, single submitter. Criteria: ACMG Guidelines, 2015. Collection method: clinical testing. Allele origin: germline. Observed: 1 variant allele, 1 heterozygote.

Ambry Genetics
Classification: Uncertain significance for Inborn genetic diseases. Last evaluated: 2021-08-04. Review status: criteria provided, single submitter. Criteria: Ambry Variant Classification Scheme 2023. Collection method: clinical testing. Allele origin: germline.